The following is an entry in ClinVar:

NM_000132.4(F8):c.2212T>G (p.Tyr738Asp)

Gene: F8 (coagulation factor VIII; minus strand). Cytogenetic location: Xq28.
Variant type: single nucleotide variant.
Coding change: c.2212T>G on transcript NM_000132.4 (MANE Select); coding-DNA position 2212, T replaced by G.
Protein change: p.Tyr738Asp; replaces tyrosine 738 with aspartic acid.
Molecular consequence: missense variant.
Genome position (GRCh38, 1-based): chrX:154,931,578, A>C on the plus strand (T>G on the coding strand, the complement: F8 is on the minus strand). VCF-style: chrX-154931578-A-C. GRCh37 (hg19) VCF-style: chrX-154159853-A-C.
Other names: short protein forms Y738D.
Identifiers: ClinVar variation 913260 (VCV000913260.6), dbSNP rs201721215, ClinGen allele CA10568350.

ClinVar aggregate classification (germline): Conflicting classifications of pathogenicity. Review status: criteria provided, conflicting classifications (1 of 4 stars). 2 submissions from 2 submitters: Uncertain significance (1); Likely benign (1). Last evaluated 2022-11-17.

Conditions:
Hereditary factor VIII deficiency disease (HEMA). Also called: AUTOSOMAL HEMOPHILIA A; Hemophilia A, congenital; HEM A; Factor 8 deficiency, congenital; HEMOPHILIA, CLASSIC; Hemophilia A. Identifiers: Orphanet 98878, MedGen C0019069, MONDO:0010602, OMIM 306700.
Inborn genetic diseases. Identifiers: MedGen C0950123, MeSH D030342.

Allele frequency attached by ClinVar (database versions not stated): gnomAD exomes 0.00006 and 0.00012; ESP Exome Variant Server 0.00009; ExAC 0.00013; TOPMed 0.00013; gnomAD 0.00015 and 0.00016.
gnomAD v4.1: 82 of 1,209,645 alleles (0.0068%); highest among the groups gnomAD compares: Non-Finnish European, 0.0022%; no homozygotes.

Submissions (2):

Ambry Genetics
Classification: Uncertain significance for Inborn genetic diseases. Last evaluated: 2022-11-17. Review status: criteria provided, single submitter. Criteria: Ambry Variant Classification Scheme 2023. Collection method: clinical testing. Allele origin: germline.

Illumina Laboratory Services, Illumina
Classification: Likely benign for Hereditary factor VIII deficiency disease. Last evaluated: 2018-01-13. Review status: criteria provided, single submitter. Criteria: ICSL Variant Classification Criteria 13 December 2019. Collection method: clinical testing. Allele origin: germline.
Comment: This variant was observed in the ICSL laboratory as part of a predisposition screen in an ostensibly healthy population. It had not been previously curated by ICSL or reported in the Human Gene Mutation Database (HGMD: prior to June 1st, 2018), and was therefore a candidate for classification through an automated scoring system. Utilizing variant allele frequency, disease prevalence and penetrance estimates, and inheritance mode, an automated score was calculated to assess if this variant is too frequent to cause the disease. Based on the score and internal cut-off values, a variant classified as likely benign is not then subjected to further curation. The score for this variant resulted in a classification of likely benign for this disease.